The following is an entry in ClinVar:

NM_021831.6(AGBL5):c.812G>A (p.Arg271Gln)

Gene: AGBL5 (AGBL carboxypeptidase 5; plus strand). Cytogenetic location: 2p23.3.
Variant type: single nucleotide variant.
Coding change: c.812G>A on transcript NM_021831.6 (MANE Select); coding-DNA position 812, G replaced by A.
Protein change: p.Arg271Gln; replaces arginine 271 with glutamine.
Molecular consequence: missense variant. On other transcripts: non-coding transcript variant (2).
Genome position (GRCh38, 1-based): chr2:27,055,157, G>A. VCF-style: chr2-27055157-G-A. GRCh37 (hg19) VCF-style: chr2-27278025-G-A.
Other names: c.812G>A, p.Arg271Gln (NM_001035507.3); short protein forms R271Q.
Identifiers: ClinVar variation 1350414 (VCV001350414.8), dbSNP rs754070994, ClinGen allele CA1567734.
Genomic context (GRCh38, chr2:27,055,157, plus strand): 5'-TACACCCAGGGGAGACTCCATCTAGCTTTGTCTTCAATGGCTTTCTGGACTTCATCCTCC[G>A]ACCTGATGATCCCCGGGCCCAAACCCTCCGTCGCCTCTTCGTCTTTAAGCTGATTCCCAT-3'
Protein context (NP_068603.4, residues 261-281): VFNGFLDFIL[Arg271Gln]PDDPRAQTLR

ClinVar aggregate classification (germline): Uncertain significance (1 of 4 stars; one submission).

Allele frequency attached by ClinVar (database versions not stated): gnomAD 0.00001; gnomAD exomes 0.00001; ExAC 0.00002.

Submission:

Labcorp Genetics (formerly Invitae), Labcorp
Classification: Uncertain significance. Last evaluated: 2022-08-19. Review status: criteria provided, single submitter. Criteria: Invitae Variant Classification Sherloc (09022015). Collection method: clinical testing. Allele origin: germline.
Comment: This variant has not been reported in the literature in individuals affected with AGBL5-related conditions. This variant is present in population databases (rs754070994, gnomAD 0.01%). This sequence change replaces arginine, which is basic and polar, with glutamine, which is neutral and polar, at codon 271 of the AGBL5 protein (p.Arg271Gln). In summary, the available evidence is currently insufficient to determine the role of this variant in disease. Therefore, it has been classified as a Variant of Uncertain Significance. Algorithms developed to predict the effect of missense changes on protein structure and function are either unavailable or do not agree on the potential impact of this missense change (SIFT: "Deleterious"; PolyPhen-2: "Possibly Damaging"; Align-GVGD: "Class C0"). ClinVar contains an entry for this variant (Variation ID: 1350414).